The following is an entry in ClinVar:

ClinVar aggregate classification (germline): Uncertain significance (1 of 4 stars; one submission).

Conditions:
Paget disease of bone 2, early-onset (PDB2). Also called: Paget disease of bone 2. Identifiers: MedGen C4085251, MONDO:0011183, OMIM 602080.
Frontotemporal dementia and/or amyotrophic lateral sclerosis 1 (FTDALS1). Also called: Frontotemporal dementia with motor neuron disease 1; C9orf72 Frontotemporal Dementia and/or Amyotrophic Lateral Sclerosis. Identifiers: Orphanet 275872, MedGen C5779877, MONDO:0007105, OMIM 105550.

Submission:

Labcorp Genetics (formerly Invitae), Labcorp
Classification: Uncertain significance for Paget disease of bone 2, early-onset; Frontotemporal dementia and/or amyotrophic lateral sclerosis 1. Last evaluated: 2022-06-22. Review status: criteria provided, single submitter. Criteria: Invitae Variant Classification Sherloc (09022015). Collection method: clinical testing. Allele origin: germline.
Comment: This variant is not present in population databases (gnomAD no frequency). This sequence change affects codon 12 of the SQSTM1 mRNA. It is a 'silent' change, meaning that it does not change the encoded amino acid sequence of the SQSTM1 protein. This variant has not been reported in the literature in individuals affected with SQSTM1-related conditions. Algorithms developed to predict the effect of sequence changes on RNA splicing suggest that this variant may create or strengthen a splice site. In summary, the available evidence is currently insufficient to determine the role of this variant in disease. Therefore, it has been classified as a Variant of Uncertain Significance.

NM_003900.5(SQSTM1):c.36C>T (p.Gly12=)

Gene: SQSTM1 (sequestosome 1; plus strand). Cytogenetic location: 5q35.3.
Variant type: single nucleotide variant.
Coding change: c.36C>T on transcript NM_003900.5 (MANE Select); coding-DNA position 36, C replaced by T.
Protein change: p.Gly12=; no amino-acid change (glycine 12 retained).
Molecular consequence: synonymous variant. On other transcripts: intron variant (2).
Genome position (GRCh38, 1-based): chr5:179,820,972, C>T. VCF-style: chr5-179820972-C-T. GRCh37 (hg19) VCF-style: chr5-179247972-C-T.
Other names: c.-47-1986C>T (NM_001142298.2, NM_001142299.2).
Identifiers: ClinVar variation 2130779 (VCV002130779.4), dbSNP rs770428754, ClinGen allele CA448055957.